The following is an entry in ClinVar:

ClinVar aggregate classification (germline): Uncertain significance (1 of 4 stars; one submission).

gnomAD v4.1: 1 of 1,612,682 alleles (0.000062%); highest among the groups gnomAD compares: Middle Eastern, 0.017%; no homozygotes.

Submission:

GeneDx
Classification: Uncertain significance. Last evaluated: 2024-02-26. Review status: criteria provided, single submitter. Criteria: GeneDx Variant Classification Process June 2021. Collection method: clinical testing. Allele origin: germline. Affected: yes.
Comment: Not observed at significant frequency in large population cohorts (gnomAD); In silico analysis supports that this missense variant does not alter protein structure/function; Has not been previously published as pathogenic or benign to our knowledge

NM_033109.5(PNPT1):c.2321C>G (p.Pro774Arg)

Gene: PNPT1 (polyribonucleotide nucleotidyltransferase 1; minus strand). Cytogenetic location: 2p16.1.
Variant type: single nucleotide variant.
Coding change: c.2321C>G on transcript NM_033109.5 (MANE Select); coding-DNA position 2321, C replaced by G.
Protein change: p.Pro774Arg; replaces proline 774 with arginine.
Molecular consequence: missense variant.
Genome position (GRCh38, 1-based): chr2:55,636,268, G>C on the plus strand (C>G on the coding strand, the complement: PNPT1 is on the minus strand). VCF-style: chr2-55636268-G-C. GRCh37 (hg19) VCF-style: chr2-55863403-G-C.
Other names: short protein forms P774R.
Identifiers: ClinVar variation 3369868 (VCV003369868.1).
Genomic context (GRCh38, chr2:55,636,268, plus strand): 5'-AATTCTAGAATTCTCTTTAAAAAAAAAAATCACTGAGAATTAGATGATGACTGTGAAATA[G>C]GTTCTCCCATTACAATACTACTTCTGTCATTCAAAGTTCTGACCACGGTTGTAGCTGGCG-3'
Protein context (NP_149100.2, residues 764-783): NDRSSIVMGE[Pro774Arg]ISQSSSNSQ